The following is an entry in ClinVar:

ClinVar aggregate classification (germline): Uncertain significance. Review status: criteria provided, multiple submitters, no conflicts (2 of 4 stars). 2 submissions from 2 submitters: Uncertain significance (2). Last evaluated 2025-10-08.

Conditions:
Inborn genetic diseases. Identifiers: MedGen C0950123, MeSH D030342.

gnomAD v4.1: 16 of 1,612,950 alleles (0.00099%); highest among the groups gnomAD compares: Non-Finnish European, 0.0014%; no homozygotes.

Submissions (2):

Labcorp Genetics (formerly Invitae), Labcorp
Classification: Uncertain significance. Last evaluated: 2025-10-08. Review status: criteria provided, single submitter. Criteria: Invitae Variant Classification Sherloc (09022015). Collection method: clinical testing. Allele origin: germline.
Comment: This sequence change replaces arginine, which is basic and polar, with leucine, which is neutral and non-polar, at codon 917 of the DCHS1 protein (p.Arg917Leu). The frequency data for this variant in the population databases is considered unreliable, as metrics indicate poor data quality at this position in the gnomAD database. This variant has not been reported in the literature in individuals affected with DCHS1-related conditions. ClinVar contains an entry for this variant (Variation ID: 4009733). Invitae Evidence Modeling of protein sequence and biophysical properties (such as structural, functional, and spatial information, amino acid conservation, physicochemical variation, residue mobility, and thermodynamic stability) has been performed for this missense variant. However, the output from this modeling did not meet the statistical confidence thresholds required to predict the impact of this variant on DCHS1 protein function. In summary, the available evidence is currently insufficient to determine the role of this variant in disease. Therefore, it has been classified as a Variant of Uncertain Significance.

Ambry Genetics
Classification: Uncertain significance for Inborn genetic diseases. Last evaluated: 2025-05-21. Review status: criteria provided, single submitter. Criteria: Ambry Variant Classification Scheme 2023. Collection method: clinical testing. Allele origin: germline.

NM_003737.4(DCHS1):c.2750G>T (p.Arg917Leu)

Gene: DCHS1 (dachsous cadherin-related 1; minus strand). Cytogenetic location: 11p15.4.
Variant type: single nucleotide variant.
Coding change: c.2750G>T on transcript NM_003737.4 (MANE Select); coding-DNA position 2750, G replaced by T.
Protein change: p.Arg917Leu; replaces arginine 917 with leucine.
Molecular consequence: missense variant.
Genome position (GRCh38, 1-based): chr11:6,632,762, C>A on the plus strand (G>T on the coding strand, the complement: DCHS1 is on the minus strand). VCF-style: chr11-6632762-C-A. GRCh37 (hg19) VCF-style: chr11-6653993-C-A.
Other names: short protein forms R917L.
Identifiers: ClinVar variation 4009733 (VCV004009733.2).